The following is an entry in ClinVar:

ClinVar aggregate classification (germline): Uncertain significance. Review status: criteria provided, multiple submitters, no conflicts (2 of 4 stars). 2 submissions from 2 submitters: Uncertain significance (2). Last evaluated 2025-12-26.

Conditions:
Inborn genetic diseases. Identifiers: MedGen C0950123, MeSH D030342.

Allele frequency attached by ClinVar (database versions not stated): gnomAD 0.00001; gnomAD exomes 0.00001; TOPMed 0.00001; ExAC 0.00002.
gnomAD v4.1: 19 of 1,613,974 alleles (0.0012%); highest among the groups gnomAD compares: Non-Finnish European, 0.0014%; no homozygotes.

Submissions (2):

Labcorp Genetics (formerly Invitae), Labcorp
Classification: Uncertain significance. Last evaluated: 2025-12-26. Review status: criteria provided, single submitter. Criteria: Invitae Variant Classification Sherloc (09022015). Collection method: clinical testing. Allele origin: germline.
Comment: This sequence change replaces isoleucine, which is neutral and non-polar, with phenylalanine, which is neutral and non-polar, at codon 744 of the JAK1 protein (p.Ile744Phe). This variant is present in population databases (rs776727115, gnomAD 0.003%). This variant has not been reported in the literature in individuals affected with JAK1-related conditions. ClinVar contains an entry for this variant (Variation ID: 2288525). Invitae Evidence Modeling of protein sequence and biophysical properties (such as structural, functional, and spatial information, amino acid conservation, physicochemical variation, residue mobility, and thermodynamic stability) indicates that this missense variant is not expected to disrupt JAK1 protein function with a negative predictive value of 80%. In summary, the available evidence is currently insufficient to determine the role of this variant in disease. Therefore, it has been classified as a Variant of Uncertain Significance.

Ambry Genetics
Classification: Uncertain significance for Inborn genetic diseases. Last evaluated: 2022-05-11. Review status: criteria provided, single submitter. Criteria: Ambry Variant Classification Scheme 2023. Collection method: clinical testing. Allele origin: germline.

NM_002227.4(JAK1):c.2230A>T (p.Ile744Phe)

Gene: JAK1 (Janus kinase 1; minus strand). Cytogenetic location: 1p31.3.
Variant type: single nucleotide variant.
Coding change: c.2230A>T on transcript NM_002227.4 (MANE Select); coding-DNA position 2230, A replaced by T.
Protein change: p.Ile744Phe; replaces isoleucine 744 with phenylalanine.
Molecular consequence: missense variant.
Genome position (GRCh38, 1-based): chr1:64,844,775, T>A on the plus strand (A>T on the coding strand, the complement: JAK1 is on the minus strand). VCF-style: chr1-64844775-T-A. GRCh37 (hg19) VCF-style: chr1-65310458-T-A.
Other names: c.2230A>T, p.Ile744Phe (NM_001320923.2, NM_001321852.2, NM_001321853.2 and 3 more transcripts); c.2227A>T, p.Ile743Phe (NM_001321857.2); short protein forms I743F, I744F.
Identifiers: ClinVar variation 2288525 (VCV002288525.4), dbSNP rs776727115, ClinGen allele CA892721.